The following is an entry in ClinVar:

NM_005236.3(ERCC4):c.130C>T (p.Leu44Phe)

Genes: ERCC4 (ERCC excision repair 4, endonuclease catalytic subunit; plus strand), LOC130058543 (ATAC-STARR-seq lymphoblastoid active region 10486; plus strand). Cytogenetic location: 16p13.12.
Variant type: single nucleotide variant.
Coding change: c.130C>T on transcript NM_005236.3 (MANE Select); coding-DNA position 130, C replaced by T.
Protein change: p.Leu44Phe; replaces leucine 44 with phenylalanine.
Molecular consequence: missense variant.
Genome position (GRCh38, 1-based): chr16:13,920,295, C>T. VCF-style: chr16-13920295-C-T. GRCh37 (hg19) VCF-style: chr16-14014152-C-T.
Other names: short protein forms L44F.
Identifiers: ClinVar variation 1002097 (VCV001002097.9), dbSNP rs1596616623, ClinGen allele CA394816253.

ClinVar aggregate classification (germline): Uncertain significance (1 of 4 stars; one submission).

Conditions:
Xeroderma pigmentosum, group F (XPF). Also called: ERCC4-Related Xeroderma Pigmentosum; XERODERMA PIGMENTOSUM VI; XP, GROUP F; XERODERMA PIGMENTOSUM, COMPLEMENTATION GROUP F; Xeroderma pigmentosum, type 6; XERODERMA PIGMENTOSUM, TYPE F. Identifiers: MedGen C0268140, MONDO:0010215, OMIM 278760.
Cockayne syndrome. Identifiers: Orphanet 191, MedGen C0009207, MONDO:0016006.
Fanconi anemia complementation group Q. Identifiers: Orphanet 84, MedGen C3808988, MONDO:0014108, OMIM 615272.

Submission:

Labcorp Genetics (formerly Invitae), Labcorp
Classification: Uncertain significance for Fanconi anemia complementation group Q; Xeroderma pigmentosum, group F; Cockayne syndrome. Last evaluated: 2025-09-22. Review status: criteria provided, single submitter. Criteria: Invitae Variant Classification Sherloc (09022015). Collection method: clinical testing. Allele origin: germline.
Comment: This sequence change replaces leucine, which is neutral and non-polar, with phenylalanine, which is neutral and non-polar, at codon 44 of the ERCC4 protein (p.Leu44Phe). This variant is not present in population databases (gnomAD no frequency). This variant has not been reported in the literature in individuals affected with ERCC4-related conditions. ClinVar contains an entry for this variant (Variation ID: 1002097). Invitae Evidence Modeling of protein sequence and biophysical properties (such as structural, functional, and spatial information, amino acid conservation, physicochemical variation, residue mobility, and thermodynamic stability) indicates that this missense variant is expected to disrupt ERCC4 protein function with a positive predictive value of 80%. In summary, the available evidence is currently insufficient to determine the role of this variant in disease. Therefore, it has been classified as a Variant of Uncertain Significance.